The following is an entry in ClinVar:

NM_006904.7(PRKDC):c.7703T>C (p.Met2568Thr)

Gene: PRKDC (protein kinase, DNA-activated, catalytic subunit; minus strand). Cytogenetic location: 8q11.21.
Variant type: single nucleotide variant.
Coding change: c.7703T>C on transcript NM_006904.7 (MANE Select); coding-DNA position 7703, T replaced by C.
Protein change: p.Met2568Thr; replaces methionine 2568 with threonine.
Molecular consequence: missense variant.
Genome position (GRCh38, 1-based): chr8:47,837,270, A>G on the plus strand (T>C on the coding strand, the complement: PRKDC is on the minus strand). VCF-style: chr8-47837270-A-G. GRCh37 (hg19) VCF-style: chr8-48749831-A-G.
Other names: c.7703T>C, p.Met2568Thr (NM_001081640.2); short protein forms M2568T.
Identifiers: ClinVar variation 1503095 (VCV001503095.6), dbSNP rs745934678, ClinGen allele CA4740049.

ClinVar aggregate classification (germline): Uncertain significance (1 of 4 stars; one submission).

Conditions:
Severe combined immunodeficiency due to DNA-PKcs deficiency. Also called: Immunodeficiency 26 with or without neurologic abnormalities; IMMUNODEFICIENCY 26 WITH NEUROLOGIC ABNORMALITIES. Identifiers: Orphanet 317425, MedGen C4014833, MONDO:0014423, OMIM 615966.

Allele frequency attached by ClinVar (database versions not stated): gnomAD exomes below 0.00001; TOPMed below 0.00001; ExAC 0.00001; gnomAD 0.00001.
gnomAD v4.1: 3 of 1,613,836 alleles (0.00019%); highest among the groups gnomAD compares: East Asian, 0.0022%; no homozygotes.

Submission:

Labcorp Genetics (formerly Invitae), Labcorp
Classification: Uncertain significance for Severe combined immunodeficiency due to DNA-PKcs deficiency. Last evaluated: 2022-12-02. Review status: criteria provided, single submitter. Criteria: Invitae Variant Classification Sherloc (09022015). Collection method: clinical testing. Allele origin: germline.
Comment: This variant is present in population databases (rs745934678, gnomAD 0.006%). In summary, the available evidence is currently insufficient to determine the role of this variant in disease. Therefore, it has been classified as a Variant of Uncertain Significance. Advanced modeling of protein sequence and biophysical properties (such as structural, functional, and spatial information, amino acid conservation, physicochemical variation, residue mobility, and thermodynamic stability) performed at Invitae indicates that this missense variant is not expected to disrupt PRKDC protein function. ClinVar contains an entry for this variant (Variation ID: 1503095). This variant has not been reported in the literature in individuals affected with PRKDC-related conditions. This sequence change replaces methionine, which is neutral and non-polar, with threonine, which is neutral and polar, at codon 2568 of the PRKDC protein (p.Met2568Thr).